The following is an entry in ClinVar:

ClinVar aggregate classification (germline): Uncertain significance (1 of 4 stars; one submission).

Conditions:
Familial thoracic aortic aneurysm and aortic dissection (TAAD). Also called: Thoracic aortic aneurysms and dissections. Identifiers: Orphanet 91387, MedGen C4707243, MONDO:0019625.

Submission:

Labcorp Genetics (formerly Invitae), Labcorp
Classification: Uncertain significance for Familial thoracic aortic aneurysm and aortic dissection. Last evaluated: 2024-07-01. Review status: criteria provided, single submitter. Criteria: Invitae Variant Classification Sherloc (09022015). Collection method: clinical testing. Allele origin: germline.
Comment: This sequence change replaces alanine, which is neutral and non-polar, with glutamic acid, which is acidic and polar, at codon 350 of the TGFBR1 protein (p.Ala350Glu). This variant is not present in population databases (gnomAD no frequency). This missense change has been observed in individual(s) with Loeys–Dietz syndrome (PMID: 16928994). Advanced modeling of protein sequence and biophysical properties (such as structural, functional, and spatial information, amino acid conservation, physicochemical variation, residue mobility, and thermodynamic stability) performed at Invitae indicates that this missense variant is expected to disrupt TGFBR1 protein function with a positive predictive value of 80%. In summary, the available evidence is currently insufficient to determine the role of this variant in disease. Therefore, it has been classified as a Variant of Uncertain Significance.

Literature cited by the submitters: PubMed 16928994.

NM_004612.4(TGFBR1):c.1049C>A (p.Ala350Glu)

Gene: TGFBR1 (transforming growth factor beta receptor 1; plus strand). Cytogenetic location: 9q22.33.
Variant type: single nucleotide variant.
Coding change: c.1049C>A on transcript NM_004612.4 (MANE Select); coding-DNA position 1049, C replaced by A.
Protein change: p.Ala350Glu; replaces alanine 350 with glutamic acid.
Molecular consequence: missense variant. On other transcripts: non-coding transcript variant (4).
Genome position (GRCh38, 1-based): chr9:99,144,807, C>A. VCF-style: chr9-99144807-C-A. GRCh37 (hg19) VCF-style: chr9-101907089-C-A.
Other names: c.818C>A, p.Ala273Glu (NM_001130916.3, NM_001407435.1); c.1061C>A, p.Ala354Glu (NM_001306210.2); c.893C>A, p.Ala298Glu (NM_001407416.1); c.881C>A, p.Ala294Glu (NM_001407417.1); c.854C>A, p.Ala285Glu (NM_001407418.1, NM_001407419.1, NM_001407420.1 and 1 more transcripts); c.842C>A, p.Ala281Glu (NM_001407423.1, NM_001407424.1, NM_001407425.1 and 8 more transcripts); c.803C>A, p.Ala268Glu (NM_001407436.1); c.341C>A, p.Ala114Glu (NM_001407437.1); and 1 more; short protein forms A114E, A191E, A354E, A273E, A285E, A281E, A294E, A298E.
Identifiers: ClinVar variation 3720889 (VCV003720889.2).